The following is an entry in ClinVar:

ClinVar aggregate classification (germline): Uncertain significance (1 of 4 stars; one submission).

Conditions:
Epidermolysis bullosa simplex 5B, with muscular dystrophy (EBS5B). Also called: EPIDERMOLYSIS BULLOSA SIMPLEX AND LIMB-GIRDLE MUSCULAR DYSTROPHY; Epidermolysis bullosa simplex with muscular dystrophy. Identifiers: Orphanet 257, MedGen C2931072, MONDO:0009181, OMIM 226670.
Epidermolysis bullosa simplex, Ogna type (EBS5A). Also called: Pidermolysis bullosa simplex 5A, Ogna type; EPIDERMOLYSIS BULLOSA SIMPLEX 5A, OGNA TYPE. Identifiers: Orphanet 79401, MedGen C0432317, MONDO:0007555, OMIM 131950.
Epidermolysis bullosa simplex 5C, with pyloric atresia (EBS5C). Also called: PLEC-Related Epidermolysis Bullosa with Pyloric Atresia; Epidermolysis bullosa simplex with pyloric atresia; PLEC1-Related Epidermolysis Bullosa with Pyloric Atresia. Identifiers: Orphanet 158684, MedGen C2677349, MONDO:0012807, OMIM 612138.
Autosomal recessive limb-girdle muscular dystrophy type 2Q (LGMDR17). Also called: MUSCULAR DYSTROPHY, LIMB-GIRDLE, AUTOSOMAL RECESSIVE 17. Identifiers: Orphanet 254361, MedGen C3150989, MONDO:0013390, OMIM 613723.
Epidermolysis bullosa simplex with nail dystrophy (EBS5D). Identifiers: MedGen C4225309, MONDO:0014661, OMIM 616487.

Allele frequency attached by ClinVar (database versions not stated): TOPMed below 0.00001; ExAC 0.00001.
gnomAD v4.1: 3 of 1,613,016 alleles (0.00019%); highest among the groups gnomAD compares: Non-Finnish European, 0.00025%; no homozygotes.

Submission:

Labcorp Genetics (formerly Invitae), Labcorp
Classification: Uncertain significance for Autosomal recessive limb-girdle muscular dystrophy type 2Q; Epidermolysis bullosa simplex, Ogna type; Epidermolysis bullosa simplex with nail dystrophy; Epidermolysis bullosa simplex 5C, with pyloric atresia; Epidermolysis bullosa simplex 5B, with muscular dystrophy. Last evaluated: 2022-04-11. Review status: criteria provided, single submitter. Criteria: Invitae Variant Classification Sherloc (09022015). Collection method: clinical testing. Allele origin: germline.
Comment: This variant has not been reported in the literature in individuals affected with PLEC-related conditions. Algorithms developed to predict the effect of missense changes on protein structure and function (SIFT, PolyPhen-2, Align-GVGD) all suggest that this variant is likely to be disruptive. In summary, the available evidence is currently insufficient to determine the role of this variant in disease. Therefore, it has been classified as a Variant of Uncertain Significance. This variant is present in population databases (rs782013835, gnomAD 0.0009%). This sequence change replaces leucine, which is neutral and non-polar, with valine, which is neutral and non-polar, at codon 2795 of the PLEC protein (p.Leu2795Val).

NM_201384.3(PLEC):c.8302C>G (p.Leu2768Val)

Gene: PLEC (plectin; minus strand). Cytogenetic location: 8q24.3.
Variant type: single nucleotide variant.
Coding change: c.8302C>G on transcript NM_201384.3 (MANE Select); coding-DNA position 8302, C replaced by G.
Protein change: p.Leu2768Val; replaces leucine 2768 with valine.
Molecular consequence: missense variant.
Genome position (GRCh38, 1-based): chr8:143,921,519, G>C on the plus strand (C>G on the coding strand, the complement: PLEC is on the minus strand). VCF-style: chr8-143921519-G-C. GRCh37 (hg19) VCF-style: chr8-144995687-G-C.
Other names: c.8383C>G, p.Leu2795Val (NM_000445.5); c.5002C>G, p.Leu1668Val (NM_001410941.1); c.8260C>G, p.Leu2754Val (NM_201378.4); c.8236C>G, p.Leu2746Val (NM_201379.3); c.8713C>G, p.Leu2905Val (NM_201380.4); c.8206C>G, p.Leu2736Val (NM_201381.3); c.8302C>G, p.Leu2768Val (NM_201382.4); c.8314C>G, p.Leu2772Val (NM_201383.3); short protein forms L1668V, L2905V, L2746V, L2768V, L2795V, L2736V, L2754V, L2772V.
Identifiers: ClinVar variation 2147900 (VCV002147900.4), dbSNP rs782013835, ClinGen allele CA4925369.
Genomic context (GRCh38, chr8:143,921,519, plus strand): 5'-GAGAGATCTGCTGGCCAGTGTAGGGGTCCTTGTAGCCAGTGACGGCGCGCTCGGCCGACA[G>C]CAGCTTGTGGTGCAGCTCGGGGCCCACCACACCCTCCTTCACAGCCTCGTTGACGGTCAG-3'
Protein context (NP_958786.1, residues 2758-2778): VVGPELHHKL[Leu2768Val]SAERAVTGYK